The following is an entry in ClinVar:

ClinVar aggregate classification (germline): Uncertain significance (1 of 4 stars; one submission).

Submission:

Labcorp Genetics (formerly Invitae), Labcorp
Classification: Uncertain significance. Last evaluated: 2023-08-17. Review status: criteria provided, single submitter. Criteria: Invitae Variant Classification Sherloc (09022015). Collection method: clinical testing. Allele origin: germline.
Comment: In summary, the available evidence is currently insufficient to determine the role of this variant in disease. Therefore, it has been classified as a Variant of Uncertain Significance. This sequence change affects codon 1211 of the SZT2 mRNA. It is a 'silent' change, meaning that it does not change the encoded amino acid sequence of the SZT2 protein. It affects a nucleotide within the consensus splice site. This variant is not present in population databases (gnomAD no frequency). This variant has not been reported in the literature in individuals affected with SZT2-related conditions. Algorithms developed to predict the effect of sequence changes on RNA splicing suggest that this variant may create or strengthen a splice site.

NM_001365999.1(SZT2):c.3804G>T (p.Arg1268=)

Gene: SZT2 (SZT2 subunit of KICSTOR complex; plus strand). Cytogenetic location: 1p34.2.
Variant type: single nucleotide variant.
Coding change: c.3804G>T on transcript NM_001365999.1 (MANE Select); coding-DNA position 3804, G replaced by T.
Protein change: p.Arg1268=; no amino-acid change (arginine 1268 retained).
Molecular consequence: synonymous variant.
Genome position (GRCh38, 1-based): chr1:43,428,003, G>T. VCF-style: chr1-43428003-G-T. GRCh37 (hg19) VCF-style: chr1-43893674-G-T.
Other names: c.3633G>T, p.Arg1211= (NM_015284.4).
Identifiers: ClinVar variation 2830817 (VCV002830817.3), dbSNP rs1653387488, ClinGen allele CA417549108.